The following is an entry in ClinVar:

NM_024649.5(BBS1):c.1334G>C (p.Gly445Ala)

Genes: BBS1 (Bardet-Biedl syndrome 1; plus strand), ZDHHC24 (zDHHC palmitoyltransferase 24; minus strand). Cytogenetic location: 11q13.2.
Variant type: single nucleotide variant.
Coding change: c.1334G>C on transcript NM_024649.5 (MANE Select); coding-DNA position 1334, G replaced by C.
Protein change: p.Gly445Ala; replaces glycine 445 with alanine.
Molecular consequence: missense variant. On other transcripts: intron variant (1).
Genome position (GRCh38, 1-based): chr11:66,526,802, G>C. VCF-style: chr11-66526802-G-C. GRCh37 (hg19) VCF-style: chr11-66294273-G-C.
Other names: c.*21+134C>G (NM_001348571.2); short protein forms G445A.
Identifiers: ClinVar variation 288534 (VCV000288534.11), dbSNP rs765829383, ClinGen allele CA6123697.

ClinVar aggregate classification (germline): Uncertain significance. Review status: criteria provided, multiple submitters, no conflicts (2 of 4 stars). 3 submissions from 3 submitters: Uncertain significance (3). Last evaluated 2026-06-08.

Conditions:
BBS1-related disorder. Also called: BBS1-related condition.
Bardet-Biedl syndrome 1 (BBS1). Identifiers: MedGen C2936862, MONDO:0008854, OMIM 209900. Disease mechanism: loss of function.

Allele frequency attached by ClinVar (database versions not stated): gnomAD exomes 0.00001 and below 0.00001; ExAC 0.00002; TOPMed 0.00001.
gnomAD v4.1: 2 of 1,614,224 alleles (0.00012%); highest among the groups gnomAD compares: Non-Finnish European, 0.00017%; no homozygotes.

Submissions (3):

PreventionGenetics, part of Exact Sciences
Classification: Uncertain significance for BBS1-related condition. Last evaluated: 2026-06-08. Review status: criteria provided, single submitter. Criteria: ACMG Guidelines, 2015. Collection method: clinical testing. Allele origin: germline.
Comment: The BBS1 c.1334G>C variant is predicted to result in the amino acid substitution p.Gly445Ala. To our knowledge, this variant has not been reported in the literature. This variant is reported in 0.012% of alleles in individuals of African descent in gnomAD. At this time, the clinical significance of this variant is uncertain due to the absence of conclusive functional and genetic evidence.

Illumina Laboratory Services, Illumina
Classification: Uncertain significance for Bardet-Biedl syndrome 1. Last evaluated: 2018-01-13. Review status: criteria provided, single submitter. Criteria: ICSL Variant Classification Criteria 13 December 2019. Collection method: clinical testing. Allele origin: germline.

Eurofins Ntd Llc (ga)
Classification: Uncertain significance. Last evaluated: 2016-06-13. Review status: criteria provided, single submitter. Criteria: EGL Classification Definitions 2015. Collection method: clinical testing. Allele origin: germline. Observed: 1 variant allele, 1 heterozygote.